The following is an entry in ClinVar:

ClinVar aggregate classification (germline): Uncertain significance (1 of 4 stars; one submission).

Conditions:
Autosomal recessive severe congenital neutropenia due to CSF3R deficiency. Also called: Neutropenia, severe congenital, 7, autosomal recessive. Identifiers: Orphanet 420702, MedGen C4310764, MONDO:0014865, OMIM 617014.

Submission:

Labcorp Genetics (formerly Invitae), Labcorp
Classification: Uncertain significance for Autosomal recessive severe congenital neutropenia due to CSF3R deficiency. Last evaluated: 2021-05-18. Review status: criteria provided, single submitter. Criteria: Invitae Variant Classification Sherloc (09022015). Collection method: clinical testing. Allele origin: germline.
Comment: In summary, the available evidence is currently insufficient to determine the role of this variant in disease. Therefore, it has been classified as a Variant of Uncertain Significance. Experimental studies and prediction algorithms are not available or were not evaluated, and the functional significance of this variant is currently unknown. This variant has not been reported in the literature in individuals with CSF3R-related conditions. This variant is a gross deletion of the genomic region encompassing exon(s) 4 of the CSF3R gene. This variant would be expected to be in-frame, preserving the integrity of the reading frame.

NC_000001.10:g.(?_36940958)_(36941294_?)del

Gene: CSF3R (colony stimulating factor 3 receptor; minus strand). Cytogenetic location: 1p34.3.
Variant type: Deletion.
Identifiers: ClinVar variation 1409933 (VCV001409933.6).